The following is an entry in ClinVar:

ClinVar aggregate classification (germline): Uncertain significance (1 of 4 stars; one submission).

Allele frequency attached by ClinVar (database versions not stated): ExAC 0.00001.

Submission:

Ambry Genetics
Classification: Uncertain significance. Last evaluated: 2022-04-11. Review status: criteria provided, single submitter. Criteria: Ambry Variant Classification Scheme 2023. Collection method: clinical testing. Allele origin: germline.
Comment: The p.R1687G variant (also known as c.5059A>G), located in coding exon 4 of the ALPK2 gene, results from an A to G substitution at nucleotide position 5059. The arginine at codon 1687 is replaced by glycine, an amino acid with dissimilar properties. This amino acid position is conserved. In addition, this alteration is predicted to be tolerated by in silico analysis. Since supporting evidence is limited at this time, the clinical significance of this alteration remains unclear.

NM_052947.4(ALPK2):c.5059A>G (p.Arg1687Gly)

Genes: ALPK2 (alpha kinase 2; minus strand), LOC130062577 (ATAC-STARR-seq lymphoblastoid active region 13389; plus strand). Cytogenetic location: 18q21.31.
Variant type: single nucleotide variant.
Coding change: c.5059A>G on transcript NM_052947.4 (MANE Select); coding-DNA position 5059, A replaced by G.
Protein change: p.Arg1687Gly; replaces arginine 1687 with glycine.
Molecular consequence: missense variant.
Genome position (GRCh38, 1-based): chr18:58,535,128, T>C on the plus strand (A>G on the coding strand, the complement: ALPK2 is on the minus strand). VCF-style: chr18-58535128-T-C. GRCh37 (hg19) VCF-style: chr18-56202360-T-C.
Other names: short protein forms R1687G.
Identifiers: ClinVar variation 1745075 (VCV001745075.2), dbSNP rs759241943, ClinGen allele CA8976588.